The following is an entry in ClinVar:

ClinVar aggregate classification (germline): Uncertain significance (1 of 4 stars; one submission).

Submission:

Women's Health and Genetics/Laboratory Corporation of America, LabCorp
Classification: Uncertain significance. Last evaluated: 2023-12-06. Review status: criteria provided, single submitter. Criteria: LabCorp Variant Classification Summary - May 2015. Collection method: clinical testing. Allele origin: germline.
Comment: Variant summary: RASA2 c.48delA (p.Ala17ArgfsX43) results in a premature termination codon, predicted to cause a truncation of the encoded protein or absence of the protein due to nonsense mediated decay, however the molecular mechanism of disease attributed to RASA2 is gain-of-function. The variant was absent in 118970 control chromosomes. The available data on variant occurrences in the general population are insufficient to allow any conclusion about variant significance. To our knowledge, no occurrence of c.48delA in individuals affected with Noonan Syndrome and no experimental evidence demonstrating its impact on protein function have been reported. No submitters have cited clinical-significance assessments for this variant to ClinVar after 2014. Based on the evidence outlined above, the variant was classified as uncertain significance.

NM_006506.5(RASA2):c.48del (p.Ala17fs)

Genes: RASA2 (RAS p21 protein activator 2; plus strand), LOC129937686 (ATAC-STARR-seq lymphoblastoid silent region 14777; plus strand). Cytogenetic location: 3q23.
Variant type: Deletion.
Coding change: c.48del on transcript NM_006506.5 (MANE Select); coding-DNA position 48, one base deleted (A; older notation c.48delA).
Protein change: p.Ala17fs; shifts the reading frame from alanine 17.
Molecular consequence: frameshift variant.
Genome position (GRCh38, 1-based): chr3:141,487,131, A deleted. VCF-style (leftmost placement, unchanged base first): chr3-141487130-CA-C. GRCh37 (hg19) VCF-style: chr3-141205972-CA-C.
Other names: c.48del, p.Ala17fs (NM_001303245.3, NM_001303246.3); c.48delA (NM_006506.5); short protein forms A17fs.
Identifiers: ClinVar variation 2691474 (VCV002691474.1), dbSNP rs2478325285, ClinGen allele CA2697556895.